The following is an entry in ClinVar:

NM_000321.3(RB1):c.20_21insC (p.Thr9fs)

Gene: RB1 (RB transcriptional corepressor 1; plus strand). Cytogenetic location: 13q14.2.
Variant type: Insertion.
Coding change: c.20_21insC on transcript NM_000321.3 (MANE Select); coding-DNA positions 20 to 21, C inserted.
Protein change: p.Thr9fs; shifts the reading frame from threonine 9.
Molecular consequence: frameshift variant.
Genome position: GRCh38 VCF-style: chr13-48303932-G-GC. GRCh37 (hg19) VCF-style: chr13-48878068-G-GC.
Other names: c.20_21insC, p.Thr9fs (NM_001407165.1, NM_001407166.1, NM_001407167.1); short protein forms T9fs.
Identifiers: ClinVar variation 3236951 (VCV003236951.1), dbSNP rs2542093245.
Genomic context (GRCh38, chr13:48,303,932, plus strand): 5'-GCTCCTCCACAGCTCGCTGGCTCCCGCCGCGGAAAGGCGTCATGCCGCCCAAAACCCCCC[G>GC]AAAAACGGCCGCCACCGCCGCCGCTGCCGCCGCGGAACCCCCGGCACCGCCGCCGCCGCC-3'

ClinVar aggregate classification (germline): Pathogenic (1 of 4 stars; one submission).

Conditions:
Retinoblastoma (RB1). Also called: RETINOBLASTOMA, SOMATIC. Identifiers: Orphanet 790, MedGen C0035335, MeSH D012175, MONDO:0008380, OMIM 180200, HP:0009919. Disease mechanism: loss of function. Inheritance: Both sporadic and heritable forms are tested..

Submission:

Genetic Diagnostic Laboratory, University of Pennsylvania School of Medicine
Classification: Pathogenic for Retinoblastoma. Last evaluated: 2024-05-20. Review status: criteria provided, single submitter. Criteria: ACMG Guidelines, 2015. Collection method: clinical testing. Allele origin: germline. Affected: yes. Observed: 1 variant allele.
Comment: Case and Pedigree Information: BILATERAL CASES:0, UNILATERAL CASES:1, TOTAL CASES:1, PEDIGREES:1. ACMG Codes Applied:PVS1, PM2